The following is an entry in ClinVar:

ClinVar aggregate classification (germline): Uncertain significance (1 of 4 stars; one submission).

gnomAD v4.1: 3 of 1,614,094 alleles (0.00019%); highest among the groups gnomAD compares: East Asian, 0.0045%; no homozygotes.

Submission:

Women's Health and Genetics/Laboratory Corporation of America, LabCorp
Classification: Uncertain significance. Last evaluated: 2025-11-03. Review status: criteria provided, single submitter. Criteria: LabCorp Variant Classification Summary - May 2015. Collection method: clinical testing. Allele origin: germline.
Comment: Variant summary: COL4A4 c.706G>A (p.Val236Met) results in a conservative amino acid change in the encoded protein sequence. Algorithms developed to predict the effect of missense changes on protein structure and function all suggest that this variant is likely to be tolerated. The variant allele was found at a frequency of 1.2e-05 in 249530 control chromosomes. The available data on variant occurrences in the general population are insufficient to allow any conclusion about variant significance. To our knowledge, no occurrence of c.706G>A in individuals affected with COL4A4-related conditions and no experimental evidence demonstrating its impact on protein function have been reported. No submitters have cited clinical-significance assessments for this variant to ClinVar. Based on the evidence outlined above, the variant was classified as uncertain significance.

NM_000092.5(COL4A4):c.706G>A (p.Val236Met)

Gene: COL4A4 (collagen type IV alpha 4 chain; minus strand). Cytogenetic location: 2q36.3.
Variant type: single nucleotide variant.
Coding change: c.706G>A on transcript NM_000092.5 (MANE Select); coding-DNA position 706, G replaced by A.
Protein change: p.Val236Met; replaces valine 236 with methionine.
Molecular consequence: missense variant.
Genome position (GRCh38, 1-based): chr2:227,108,610, C>T on the plus strand (G>A on the coding strand, the complement: COL4A4 is on the minus strand). VCF-style: chr2-227108610-C-T. GRCh37 (hg19) VCF-style: chr2-227973326-C-T.
Other names: short protein forms V236M.
Identifiers: ClinVar variation 4537135 (VCV004537135.1).